The following is an entry in ClinVar:

NM_001386298.1(CIC):c.4018A>G (p.Ser1340Gly)

Gene: CIC (capicua transcriptional repressor; plus strand). Cytogenetic location: 19q13.2.
Variant type: single nucleotide variant.
Coding change: c.4018A>G on transcript NM_001386298.1 (MANE Select); coding-DNA position 4018, A replaced by G.
Protein change: p.Ser1340Gly; replaces serine 1340 with glycine.
Molecular consequence: missense variant.
Genome position (GRCh38, 1-based): chr19:42,289,337, A>G. VCF-style: chr19-42289337-A-G. GRCh37 (hg19) VCF-style: chr19-42793489-A-G.
Other names: c.4018A>G, p.Ser1340Gly (NM_001304815.2, NM_001379480.1, NM_001379482.1 and 1 more transcripts); c.1291A>G, p.Ser431Gly (NM_001379484.1, NM_001379485.1, NM_015125.5); short protein forms S431G, S1340G.
Identifiers: ClinVar variation 2206711 (VCV002206711.4), dbSNP rs2513890889, ClinGen allele CA406102887.

ClinVar aggregate classification (germline): Uncertain significance. Review status: criteria provided, multiple submitters, no conflicts (2 of 4 stars). 2 submissions from 2 submitters: Uncertain significance (2). Last evaluated 2024-06-05.

Conditions:
Inborn genetic diseases. Identifiers: MedGen C0950123, MeSH D030342.

Submissions (2):

Ambry Genetics
Classification: Uncertain significance for Inborn genetic diseases. Last evaluated: 2024-06-05. Review status: criteria provided, single submitter. Criteria: Ambry Variant Classification Scheme 2023. Collection method: clinical testing. Allele origin: germline.
Comment: The c.1291A>G (p.S431G) alteration is located in exon 8 (coding exon 8) of the CIC gene. This alteration results from an A to G substitution at nucleotide position 1291, causing the serine (S) at amino acid position 431 to be replaced by a glycine (G). Based on data from the Genome Aggregation Database (gnomAD), the CIC c.1291A>G alteration was not observed, with coverage at this position. The p.S431 amino acid is conserved in available vertebrate species. The in silico prediction for the p.S431G alteration is inconclusive. Based on insufficient or conflicting evidence, the clinical significance of this alteration remains unclear.

GeneDx
Classification: Uncertain significance. Last evaluated: 2024-03-12. Review status: criteria provided, single submitter. Criteria: GeneDx Variant Classification Process June 2021. Collection method: clinical testing. Allele origin: germline. Affected: yes.
Comment: Not observed at significant frequency in large population cohorts (gnomAD); In silico analysis supports that this missense variant does not alter protein structure/function; Has not been previously published as pathogenic or benign to our knowledge